The following is an entry in ClinVar:

NM_017777.4(MKS1):c.935G>C (p.Arg312Pro)

Gene: MKS1 (MKS transition zone complex subunit 1; minus strand). Cytogenetic location: 17q22.
Variant type: single nucleotide variant.
Coding change: c.935G>C on transcript NM_017777.4 (MANE Select); coding-DNA position 935, G replaced by C.
Protein change: p.Arg312Pro; replaces arginine 312 with proline.
Molecular consequence: missense variant.
Genome position (GRCh38, 1-based): chr17:58,211,003, C>G on the plus strand (G>C on the coding strand, the complement: MKS1 is on the minus strand). VCF-style: chr17-58211003-C-G. GRCh37 (hg19) VCF-style: chr17-56288364-C-G.
Other names: c.326G>C, p.Arg109Pro (NM_001321268.2); c.935G>C, p.Arg312Pro (NM_001321269.2, NM_001330397.2); short protein forms R312P, R109P.
Identifiers: ClinVar variation 1482082 (VCV001482082.5), dbSNP rs369483945, ClinGen allele CA8669341.

ClinVar aggregate classification (germline): Uncertain significance (1 of 4 stars; one submission).

Conditions:
Meckel-Gruber syndrome. Also called: DYSENCEPHALIA SPLANCHNOCYSTICA; GRUBER SYNDROME; Dysencephalia splachnocystica. Identifiers: Orphanet 564, MedGen C0265215, MONDO:0018921.
Joubert syndrome. Also called: CEREBELLOPARENCHYMAL DISORDER IV; JOUBERT-BOLTSHAUSER SYNDROME; Familial aplasia of the vermis. Identifiers: Orphanet 475, MedGen C5979921, MONDO:0018772.

Allele frequency attached by ClinVar (database versions not stated): ESP Exome Variant Server 0.00008; ExAC 0.00001.
gnomAD v4.1: 1 of 1,613,974 alleles (0.000062%); highest among the groups gnomAD compares: Non-Finnish European, 0.000085%; no homozygotes.

Submission:

Labcorp Genetics (formerly Invitae), Labcorp
Classification: Uncertain significance for Joubert syndrome; Meckel-Gruber syndrome. Last evaluated: 2021-09-01. Review status: criteria provided, single submitter. Criteria: Invitae Variant Classification Sherloc (09022015). Collection method: clinical testing. Allele origin: germline.
Comment: This sequence change replaces arginine with proline at codon 312 of the MKS1 protein (p.Arg312Pro). The arginine residue is highly conserved and there is a moderate physicochemical difference between arginine and proline. This variant is present in population databases (rs369483945, ExAC 0.002%). This variant has not been reported in the literature in individuals affected with MKS1-related conditions. Advanced modeling of protein sequence and biophysical properties (such as structural, functional, and spatial information, amino acid conservation, physicochemical variation, residue mobility, and thermodynamic stability) performed at Invitae indicates that this missense variant is expected to disrupt MKS1 protein function. In summary, the available evidence is currently insufficient to determine the role of this variant in disease. Therefore, it has been classified as a Variant of Uncertain Significance.